The following is an entry in ClinVar:

NM_001270974.2(HYDIN):c.13043+7_13043+10dup

Gene: HYDIN (HYDIN axonemal central pair apparatus protein; minus strand). Cytogenetic location: 16q22.2.
Variant type: Duplication.
Coding change: c.13043+7_13043+10dup on transcript NM_001270974.2 (MANE Select); bases 7 to 10 of the intron after coding-DNA position 13043, 4 bases duplicated (AGGC; older notation c.13043+7_13043+10dupAGGC).
Molecular consequence: intron variant.
Genome position (GRCh38, 1-based): chr16:70,840,054-70,840,057, GCCT duplicated on the plus strand (AGGC on the coding strand, the reverse complement: HYDIN is on the minus strand); duplicating any 4 consecutive bases within chr16:70,840,054-70,840,059 gives the same sequence; the c. name uses the placement nearest the transcript's 3' end. VCF-style (leftmost placement, unchanged base first): chr16-70840053-A-AGCCT. GRCh37 (hg19) VCF-style: chr16-70873956-A-AGCCT.
Identifiers: ClinVar variation 2646698 (VCV002646698.25), dbSNP rs527978967, ClinGen allele CA8148704.

ClinVar aggregate classification (germline): Likely benign. Review status: criteria provided, multiple submitters, no conflicts (2 of 4 stars). 2 submissions from 2 submitters: Likely benign (2). Last evaluated 2026-04-01.

Submissions (2):

CeGaT Center for Human Genetics Tuebingen
Classification: Likely benign. Last evaluated: 2026-04-01. Review status: criteria provided, single submitter. Criteria: CeGaT Center For Human Genetics Tuebingen Variant Classification Criteria Version 2. Collection method: clinical testing. Allele origin: germline. Affected: yes. Observed: 6 variant alleles.
Comment: HYDIN: BS2

Blueprint Genetics
Classification: Likely benign. Last evaluated: 2024-11-25. Review status: criteria provided, single submitter. Criteria: ACMG Guidelines, 2015. Collection method: clinical testing. Allele origin: germline.